The following is an entry in ClinVar:

ClinVar aggregate classification (germline): Benign/Likely benign. Review status: criteria provided, multiple submitters, no conflicts (2 of 4 stars). 3 submissions from 3 submitters: Benign (1); Likely benign (1). 1 of the submissions does not count toward it. Last evaluated 2025-12-30.

Conditions:
COL27A1-related disorder. Also called: COL27A1-related condition.

Allele frequency attached by ClinVar (database versions not stated): gnomAD 0.00001 and 0.00014; TOPMed 0.00007; gnomAD exomes 0.00029 and 0.00059; ExAC 0.00062; 1000 Genomes Project 0.00080; 1000 Genomes Project 30x 0.00094.
gnomAD v4.1: 448 of 1,602,630 alleles (0.028%); highest among the groups gnomAD compares: South Asian, 0.44%; 6 homozygotes.

Submissions (3):

Labcorp Genetics (formerly Invitae), Labcorp
Classification: Benign. Last evaluated: 2025-12-30. Review status: criteria provided, single submitter. Criteria: Invitae Variant Classification Sherloc (09022015). Collection method: clinical testing. Allele origin: germline.

Blueprint Genetics
Classification: Likely benign. Last evaluated: 2024-09-16. Review status: criteria provided, single submitter. Criteria: ACMG Guidelines, 2015. Collection method: clinical testing. Allele origin: germline.

PreventionGenetics, part of Exact Sciences
Classification: Likely benign for COL27A1-related condition. Last evaluated: 2019-06-05. Review status: no assertion criteria provided. Collection method: clinical testing. Allele origin: germline. Not counted in ClinVar's aggregate classification.
Comment: This variant is classified as likely benign based on ACMG/AMP sequence variant interpretation guidelines (Richards et al. 2015 PMID: 25741868, with internal and published modifications).

NM_032888.4(COL27A1):c.5217+6C>T

Gene: COL27A1 (collagen type XXVII alpha 1 chain; plus strand). Cytogenetic location: 9q32.
Variant type: single nucleotide variant.
Coding change: c.5217+6C>T on transcript NM_032888.4 (MANE Select); 6 bases into the intron after coding-DNA position 5217, C replaced by T.
Molecular consequence: intron variant.
Genome position (GRCh38, 1-based): chr9:114,307,784, C>T. VCF-style: chr9-114307784-C-T. GRCh37 (hg19) VCF-style: chr9-117070064-C-T.
Identifiers: ClinVar variation 763326 (VCV000763326.14), dbSNP rs529163366, ClinGen allele CA5203332.
Genomic context (GRCh38, chr9:114,307,784, plus strand): 5'-CTGCAACTTCACTCATGGTGGACAGACGTGTCTCAAGCCCATCACGGCCTCCAAGGTACC[C>T]ATCAGCTCCCACACTGCCCACCAGGCTGTCTGCCTCTATCCCCAGCCTGCCCTGGGCCAC-3'